The following is an entry in ClinVar:

NM_015100.4(POGZ):c.41A>G (p.Glu14Gly)

Gene: POGZ (pogo transposable element derived with ZNF domain; minus strand). Cytogenetic location: 1q21.3.
Variant type: single nucleotide variant.
Coding change: c.41A>G on transcript NM_015100.4 (MANE Select); coding-DNA position 41, A replaced by G.
Protein change: p.Glu14Gly; replaces glutamic acid 14 with glycine.
Molecular consequence: missense variant.
Genome position (GRCh38, 1-based): chr1:151,442,164, T>C on the plus strand (A>G on the coding strand, the complement: POGZ is on the minus strand). VCF-style: chr1-151442164-T-C. GRCh37 (hg19) VCF-style: chr1-151414640-T-C.
Other names: c.41A>G, p.Glu14Gly (NM_001194937.2, NM_001194938.2, NM_145796.4 and 1 more transcripts); c.62A>G, p.Glu21Gly (NM_001410860.1); short protein forms E14G, E21G.
Identifiers: ClinVar variation 1722780 (VCV001722780.2), dbSNP rs2529693122, ClinGen allele CA341986134.

ClinVar aggregate classification (germline): Uncertain significance (1 of 4 stars; one submission).

Submission:

GeneDx
Classification: Uncertain significance. Last evaluated: 2022-05-04. Review status: criteria provided, single submitter. Criteria: GeneDx Variant Classification Process June 2021. Collection method: clinical testing. Allele origin: germline. Affected: yes.
Comment: Not observed at significant frequency in large population cohorts (gnomAD); In silico analysis supports that this missense variant has a deleterious effect on protein structure/function; Has not been previously published as pathogenic or benign to our knowledge